The following is an entry in ClinVar:

ClinVar aggregate classification (germline): Uncertain significance (1 of 4 stars; one submission).

Conditions:
Dyskeratosis congenita, autosomal dominant 2. Identifiers: MedGen C3151443, MONDO:0013521, OMIM 613989.
Idiopathic Pulmonary Fibrosis. Also called: Idiopathic fibrosing alveolitis, chronic form; idiopathic fibrosing alveolitis. Identifiers: Orphanet 2032, MedGen C1800706, MeSH D054990, MONDO:0800504.

Submission:

Labcorp Genetics (formerly Invitae), Labcorp
Classification: Uncertain significance for Dyskeratosis congenita, autosomal dominant 2; Idiopathic Pulmonary Fibrosis. Last evaluated: 2020-05-24. Review status: criteria provided, single submitter. Criteria: Invitae Variant Classification Sherloc (09022015). Collection method: clinical testing. Allele origin: germline.
Comment: This variant has not been reported in the literature in individuals with TERT-related conditions. This sequence change replaces lysine with glutamine at codon 94 of the TERT protein (p.Lys94Gln). The lysine residue is weakly conserved and there is a small physicochemical difference between lysine and glutamine. This variant is not present in population databases (ExAC no frequency). Algorithms developed to predict the effect of missense changes on protein structure and function (SIFT, PolyPhen-2, Align-GVGD) all suggest that this variant is likely to be tolerated, but these predictions have not been confirmed by published functional studies and their clinical significance is uncertain. In summary, the available evidence is currently insufficient to determine the role of this variant in disease. Therefore, it has been classified as a Variant of Uncertain Significance.

NM_198253.3(TERT):c.280A>C (p.Lys94Gln)

Gene: TERT (telomerase reverse transcriptase; minus strand). Cytogenetic location: 5p15.33.
Variant type: single nucleotide variant.
Coding change: c.280A>C on transcript NM_198253.3 (MANE Select); coding-DNA position 280, A replaced by C.
Protein change: p.Lys94Gln; replaces lysine 94 with glutamine.
Molecular consequence: missense variant. On other transcripts: non-coding transcript variant (2).
Genome position (GRCh38, 1-based): chr5:1,294,606, T>G on the plus strand (A>C on the coding strand, the complement: TERT is on the minus strand). VCF-style: chr5-1294606-T-G. GRCh37 (hg19) VCF-style: chr5-1294721-T-G.
Other names: c.280A>C, p.Lys94Gln (NM_001193376.3); short protein forms K94Q.
Identifiers: ClinVar variation 1007401 (VCV001007401.9), dbSNP rs1751268378, ClinGen allele CA359058530.